The following is an entry in ClinVar:

ClinVar aggregate classification (germline): Conflicting classifications of pathogenicity. Review status: criteria provided, conflicting classifications (1 of 4 stars). 5 submissions from 5 submitters: Uncertain significance (4); Likely benign (1). Last evaluated 2025-08-01.

Conditions:
Inborn genetic diseases. Identifiers: MedGen C0950123, MeSH D030342.

Allele frequency attached by ClinVar (database versions not stated): 1000 Genomes Project 30x 0.00016; 1000 Genomes Project 0.00020; gnomAD exomes 0.00054 and 0.00078; gnomAD 0.00055 and 0.00061; TOPMed 0.00067; ExAC 0.00077; ESP Exome Variant Server 0.00085.
gnomAD v4.1: 1,204 of 1,610,736 alleles (0.075%); highest among the groups gnomAD compares: Non-Finnish European, 0.097%; 1 homozygote.

Submissions (5):

CeGaT Center for Human Genetics Tuebingen
Classification: Likely benign. Last evaluated: 2025-08-01. Review status: criteria provided, single submitter. Criteria: CeGaT Center For Human Genetics Tuebingen Variant Classification Criteria Version 2. Collection method: clinical testing. Allele origin: germline. Affected: yes. Observed: 3 variant alleles.
Comment: PTPN23: BS2

Ambry Genetics
Classification: Uncertain significance for Inborn genetic diseases. Last evaluated: 2025-02-08. Review status: criteria provided, single submitter. Criteria: Ambry Variant Classification Scheme 2023. Collection method: clinical testing. Allele origin: germline.

GeneDx
Classification: Uncertain significance. Last evaluated: 2025-02-04. Review status: criteria provided, single submitter. Criteria: GeneDx Variant Classification Process June 2021. Collection method: clinical testing. Allele origin: germline. Affected: yes.
Comment: In silico analysis supports that this missense variant does not alter protein structure/function; Has not been previously published as pathogenic or benign to our knowledge

Labcorp Genetics (formerly Invitae), Labcorp
Classification: Uncertain significance. Last evaluated: 2022-11-03. Review status: criteria provided, single submitter. Criteria: Invitae Variant Classification Sherloc (09022015). Collection method: clinical testing. Allele origin: germline.
Comment: This sequence change replaces glycine, which is neutral and non-polar, with arginine, which is basic and polar, at codon 859 of the PTPN23 protein (p.Gly859Arg). This variant is present in population databases (rs144025762, gnomAD 0.1%), and has an allele count higher than expected for a pathogenic variant. This variant has not been reported in the literature in individuals affected with PTPN23-related conditions. ClinVar contains an entry for this variant (Variation ID: 872546). Algorithms developed to predict the effect of missense changes on protein structure and function are either unavailable or do not agree on the potential impact of this missense change (SIFT: "Tolerated"; PolyPhen-2: "Not Available"; Align-GVGD: "Class C0"). In summary, the available evidence is currently insufficient to determine the role of this variant in disease. Therefore, it has been classified as a Variant of Uncertain Significance.

Breakthrough Genomics
Classification: Uncertain significance. Review status: criteria provided, single submitter. Criteria: ACMG Guidelines, 2015. Collection method: not provided. Allele origin: germline. Inheritance: Autosomal recessive inheritance. Affected: yes.

NM_015466.4(PTPN23):c.2575G>C (p.Gly859Arg)

Gene: PTPN23 (protein tyrosine phosphatase non-receptor type 23; plus strand). Cytogenetic location: 3p21.31.
Variant type: single nucleotide variant.
Coding change: c.2575G>C on transcript NM_015466.4 (MANE Select); coding-DNA position 2575, G replaced by C.
Protein change: p.Gly859Arg; replaces glycine 859 with arginine.
Molecular consequence: missense variant.
Genome position (GRCh38, 1-based): chr3:47,410,373, G>C. VCF-style: chr3-47410373-G-C. GRCh37 (hg19) VCF-style: chr3-47451863-G-C.
Other names: c.2575G>C (NM_015466.2); c.2197G>C, p.Gly733Arg (NM_001304482.2); short protein forms G859R, G733R.
Identifiers: ClinVar variation 872546 (VCV000872546.46), dbSNP rs144025762, ClinGen allele CA2366077.
Genomic context (GRCh38, chr3:47,410,373, plus strand): 5'-CCACAGCATGGCGTGGTGAGCAGTCCCTATGTGGGGGTAGGGCCGGCCCCACCAGTTGCA[G>C]GTCTCCCCTCGGCCCCACCTCCTCAATTCTCAGGCCCCGAGTTGGCCATGGCGGTTCGGC-3'
Protein context (NP_056281.1, residues 849-869): VGVGPAPPVA[Gly859Arg]LPSAPPPQFS